The following is an entry in ClinVar:

NM_020964.3(EPG5):c.6088C>T (p.His2030Tyr)

Gene: EPG5 (ectopic P-granules 5 autophagy tethering factor; minus strand). Cytogenetic location: 18q12.3.
Variant type: single nucleotide variant.
Coding change: c.6088C>T on transcript NM_020964.3 (MANE Select); coding-DNA position 6088, C replaced by T.
Protein change: p.His2030Tyr; replaces histidine 2030 with tyrosine.
Molecular consequence: missense variant.
Genome position (GRCh38, 1-based): chr18:45,870,704, G>A on the plus strand (C>T on the coding strand, the complement: EPG5 is on the minus strand). VCF-style: chr18-45870704-G-A. GRCh37 (hg19) VCF-style: chr18-43450669-G-A.
Other names: c.6088C>T, p.His2030Tyr (NM_001410858.1); c.6085C>T, p.His2029Tyr (NM_001410859.1); short protein forms H2029Y, H2030Y.
Identifiers: ClinVar variation 2507089 (VCV002507089.1), dbSNP rs1231216647, ClinGen allele CA402340882.

ClinVar aggregate classification (germline): Uncertain significance (1 of 4 stars; one submission).

Submission:

GeneDx
Classification: Uncertain significance. Last evaluated: 2022-12-31. Review status: criteria provided, single submitter. Criteria: GeneDx Variant Classification Process June 2021. Collection method: clinical testing. Allele origin: germline. Affected: yes.
Comment: Not observed at significant frequency in large population cohorts (gnomAD); In silico analysis supports that this missense variant does not alter protein structure/function; Has not been previously published as pathogenic or benign to our knowledge